The following is an entry in ClinVar:

NM_006440.5(TXNRD2):c.1246G>A (p.Val416Met)

Gene: TXNRD2 (thioredoxin reductase 2; minus strand). Cytogenetic location: 22q11.21.
Variant type: single nucleotide variant.
Coding change: c.1246G>A on transcript NM_006440.5 (MANE Select); coding-DNA position 1246, G replaced by A.
Protein change: p.Val416Met; replaces valine 416 with methionine.
Molecular consequence: missense variant. On other transcripts: non-coding transcript variant (1).
Genome position (GRCh38, 1-based): chr22:19,880,208, C>T on the plus strand (G>A on the coding strand, the complement: TXNRD2 is on the minus strand). VCF-style: chr22-19880208-C-T. GRCh37 (hg19) VCF-style: chr22-19867731-C-T.
Other names: c.1243G>A, p.Val415Met (NM_001352300.2); c.1156G>A, p.Val386Met (NM_001352301.2); c.958G>A, p.Val320Met (NM_001352302.2); short protein forms V416M, V320M, V415M, V386M.
Identifiers: ClinVar variation 4746840 (VCV004746840.1).

ClinVar aggregate classification (germline): Uncertain significance (1 of 4 stars; one submission).

Conditions:
Primary dilated cardiomyopathy (DCM). Also called: Dilated Cardiomyopathy. Identifiers: Orphanet 217604, MedGen C0007193, MeSH D002311, MONDO:0005021, HP:0001644. Inheritance: Various modes of inheritance.

Submission:

Labcorp Genetics (formerly Invitae), Labcorp
Classification: Uncertain significance for Primary dilated cardiomyopathy. Last evaluated: 2025-04-17. Review status: criteria provided, single submitter. Criteria: Invitae Variant Classification Sherloc (09022015). Collection method: clinical testing. Allele origin: germline.
Comment: This sequence change replaces valine, which is neutral and non-polar, with methionine, which is neutral and non-polar, at codon 416 of the TXNRD2 protein (p.Val416Met). This variant is not present in population databases (gnomAD no frequency). This variant has not been reported in the literature in individuals affected with TXNRD2-related conditions. Invitae Evidence Modeling of protein sequence and biophysical properties (such as structural, functional, and spatial information, amino acid conservation, physicochemical variation, residue mobility, and thermodynamic stability) indicates that this missense variant is not expected to disrupt TXNRD2 protein function with a negative predictive value of 80%. In summary, the available evidence is currently insufficient to determine the role of this variant in disease. Therefore, it has been classified as a Variant of Uncertain Significance.